The following is an entry in ClinVar:

NM_000093.5(COL5A1):c.1106A>T (p.Asp369Val)

Gene: COL5A1 (collagen type V alpha 1 chain; plus strand). Cytogenetic location: 9q34.3.
Variant type: single nucleotide variant.
Coding change: c.1106A>T on transcript NM_000093.5 (MANE Select); coding-DNA position 1106, A replaced by T.
Protein change: p.Asp369Val; replaces aspartic acid 369 with valine.
Molecular consequence: missense variant.
Genome position (GRCh38, 1-based): chr9:134,730,417, A>T. VCF-style: chr9-134730417-A-T. GRCh37 (hg19) VCF-style: chr9-137622263-A-T.
Other names: c.1106A>T, p.Asp369Val (NM_001278074.1); short protein forms D369V.
Identifiers: ClinVar variation 2418683 (VCV002418683.9), dbSNP rs2132639601, ClinGen allele CA375450020.
Genomic context (GRCh38, chr9:134,730,417, plus strand): 5'-CCTCACCGTATGATGACCTCACCTATGGCGAGGGGGAGGAGAACCCCGACCAGCCCACAG[A>T]CCCAGGCGCTGGGGCCGAAATTCCCACCAGCACCGCCGACACCTCCAACTCCTCCAATGT-3'
Protein context (NP_000084.3, residues 359-379): EGEENPDQPT[Asp369Val]PGAGAEIPTS

ClinVar aggregate classification (germline): Uncertain significance (1 of 4 stars; one submission).

Conditions:
Ehlers-Danlos syndrome, classic type, 1 (EDSCL1). Also called: EDS I; EHLERS-DANLOS SYNDROME, GRAVIS TYPE; EHLERS-DANLOS SYNDROME, SEVERE CLASSIC TYPE; Ehlers-Danlos syndrome, type 1; Ehlers-Danlos Syndrome, Classic Type, COL5A1-Related. Identifiers: MedGen C0268335, MONDO:0019567, OMIM 130000.

Submission:

Labcorp Genetics (formerly Invitae), Labcorp
Classification: Uncertain significance for Ehlers-Danlos syndrome, classic type, 1. Last evaluated: 2022-11-08. Review status: criteria provided, single submitter. Criteria: Invitae Variant Classification Sherloc (09022015). Collection method: clinical testing. Allele origin: germline.
Comment: In summary, the available evidence is currently insufficient to determine the role of this variant in disease. Therefore, it has been classified as a Variant of Uncertain Significance. Advanced modeling of protein sequence and biophysical properties (such as structural, functional, and spatial information, amino acid conservation, physicochemical variation, residue mobility, and thermodynamic stability) performed at Invitae indicates that this missense variant is not expected to disrupt COL5A1 protein function. This variant has not been reported in the literature in individuals affected with COL5A1-related conditions. This variant is not present in population databases (gnomAD no frequency). This sequence change replaces aspartic acid, which is acidic and polar, with valine, which is neutral and non-polar, at codon 369 of the COL5A1 protein (p.Asp369Val).